The following is an entry in ClinVar:

ClinVar aggregate classification (germline): Uncertain significance (1 of 4 stars; one submission).

Allele frequency attached by ClinVar (database versions not stated): gnomAD exomes below 0.00001 and 0.00001; ExAC 0.00002; TOPMed 0.00002; gnomAD 0.00004; ESP Exome Variant Server 0.00019.
gnomAD v4.1: 9 of 1,211,203 alleles (0.00074%); highest among the groups gnomAD compares: African/African-American, 0.0017%; no homozygotes.

Submission:

GeneDx
Classification: Uncertain significance. Last evaluated: 2021-06-01. Review status: criteria provided, single submitter. Criteria: GeneDx Variant Classification Process June 2021. Collection method: clinical testing. Allele origin: germline. Affected: yes.
Comment: The majority of missense variants in this gene are considered pathogenic (Stenson et al., 2014); In silico analysis, which includes protein predictors and evolutionary conservation, supports a deleterious effect; Has not been previously published as pathogenic or benign to our knowledge; This variant is associated with the following publications: (PMID: 27535533)

NM_001184880.2(PCDH19):c.886G>A (p.Gly296Ser)

Gene: PCDH19 (protocadherin 19; minus strand). Cytogenetic location: Xq22.1.
Variant type: single nucleotide variant.
Coding change: c.886G>A on transcript NM_001184880.2 (MANE Select); coding-DNA position 886, G replaced by A.
Protein change: p.Gly296Ser; replaces glycine 296 with serine.
Molecular consequence: missense variant.
Genome position (GRCh38, 1-based): chrX:100,407,712, C>T on the plus strand (G>A on the coding strand, the complement: PCDH19 is on the minus strand). VCF-style: chrX-100407712-C-T. GRCh37 (hg19) VCF-style: chrX-99662710-C-T.
Other names: c.886G>A, p.Gly296Ser (NM_001105243.2, NM_020766.3); short protein forms G296S.
Identifiers: ClinVar variation 1308418 (VCV001308418.2), dbSNP rs373336253, ClinGen allele CA10468939.
Genomic context (GRCh38, chrX:100,407,712, plus strand): 5'-CGTCCAGTTCGTACACGTGCCCCTCTTCGTAGTCTAAAGCGCCAGTGACAGTGACCAGGC[C>T]ACTGTGCGGGTCGATCTGAAAGAGCTCGCGCGTGCGGTCGTTGACGTAGCCATAGAAGGA-3'
Protein context (NP_001171809.1, residues 286-306): RELFQIDPHS[Gly296Ser]LVTVTGALDY